The following is an entry in ClinVar:

ClinVar aggregate classification (germline): Uncertain significance (1 of 4 stars; one submission).

gnomAD v4.1: 30 of 1,613,734 alleles (0.0019%); highest among the groups gnomAD compares: East Asian, 0.0045%; no homozygotes.

Submission:

GeneDx
Classification: Uncertain significance. Last evaluated: 2023-02-07. Review status: criteria provided, single submitter. Criteria: GeneDx Variant Classification Process June 2021. Collection method: clinical testing. Allele origin: germline. Affected: yes.
Comment: In silico analysis supports that this missense variant has a deleterious effect on protein structure/function; Has not been previously published as pathogenic or benign to our knowledge; Variants in candidate genes are classified as variants of uncertain significance in accordance with ACMG guidelines (Richards et al., 2015)

NM_024721.5(ZFHX4):c.3044G>A (p.Arg1015His)

Gene: ZFHX4 (zinc finger homeobox 4; plus strand). Cytogenetic location: 8q21.13.
Variant type: single nucleotide variant.
Coding change: c.3044G>A on transcript NM_024721.5 (MANE Select); coding-DNA position 3044, G replaced by A.
Protein change: p.Arg1015His; replaces arginine 1015 with histidine.
Molecular consequence: missense variant.
Genome position (GRCh38, 1-based): chr8:76,707,999, G>A. VCF-style: chr8-76707999-G-A. GRCh37 (hg19) VCF-style: chr8-77620234-G-A.
Other names: c.2966G>A, p.Arg989His (NM_001410934.1); short protein forms R1015H, R989H.
Identifiers: ClinVar variation 3900285 (VCV003900285.1).